The following is an entry in ClinVar:

NM_004991.4(MECOM):c.612C>G (p.His204Gln)

Gene: MECOM (MDS1 and EVI1 complex locus; minus strand). Cytogenetic location: 3q26.2.
Variant type: single nucleotide variant.
Coding change: c.612C>G on transcript NM_004991.4 (MANE Select); coding-DNA position 612, C replaced by G.
Protein change: p.His204Gln; replaces histidine 204 with glutamine.
Molecular consequence: missense variant.
Genome position (GRCh38, 1-based): chr3:169,131,430, G>C on the plus strand (C>G on the coding strand, the complement: MECOM is on the minus strand). VCF-style: chr3-169131430-G-C. GRCh37 (hg19) VCF-style: chr3-168849218-G-C.
Other names: c.240C>G, p.His80Gln (NM_001105077.4); c.48C>G, p.His16Gln (NM_001105078.4, NM_001163999.2, NM_001164000.2 and 9 more transcripts); c.612C>G, p.His204Gln (NM_001366466.2, NM_001366473.2); short protein forms H16Q, H80Q, H204Q.
Identifiers: ClinVar variation 4053078 (VCV004053078.1).

ClinVar aggregate classification (germline): Uncertain significance (1 of 4 stars; one submission).

Conditions:
Inborn genetic diseases. Identifiers: MedGen C0950123, MeSH D030342.

gnomAD v4.1: 1 of 1,613,500 alleles (0.000062%); highest among the groups gnomAD compares: Non-Finnish European, 0.000085%; no homozygotes.

Submission:

Ambry Genetics
Classification: Uncertain significance for Inborn genetic diseases. Last evaluated: 2025-03-18. Review status: criteria provided, single submitter. Criteria: Ambry Variant Classification Scheme 2023. Collection method: clinical testing. Allele origin: germline.
Comment: The p.H204Q variant (also known as c.612C>G), located in coding exon 4 of the MECOM gene, results from a C to G substitution at nucleotide position 612. The histidine at codon 204 is replaced by glutamine, an amino acid with highly similar properties. This amino acid position is conserved. In addition, this alteration is predicted to be tolerated by in silico analysis. Based on the available evidence, the clinical significance of this variant remains unclear.